The following is an entry in ClinVar:

NM_032447.5(FBN3):c.7774C>T (p.Arg2592Cys)

Gene: FBN3 (fibrillin 3; minus strand). Cytogenetic location: 19p13.2.
Variant type: single nucleotide variant.
Coding change: c.7774C>T on transcript NM_032447.5 (MANE Select); coding-DNA position 7774, C replaced by T.
Protein change: p.Arg2592Cys; replaces arginine 2592 with cysteine.
Molecular consequence: missense variant.
Genome position (GRCh38, 1-based): chr19:8,073,226, G>A on the plus strand (C>T on the coding strand, the complement: FBN3 is on the minus strand). VCF-style: chr19-8073226-G-A. GRCh37 (hg19) VCF-style: chr19-8138110-G-A.
Other names: c.7774C>T, p.Arg2592Cys (NM_001321431.2); c.7774C>T (NM_032447.3); short protein forms R2592C.
Identifiers: ClinVar variation 2181856 (VCV002181856.5), dbSNP rs368849172, ClinGen allele CA9150742.
Genomic context (GRCh38, chr19:8,073,226, plus strand): 5'-CCACCTCCTGGCAGCCCCCGAGGGCCTGATCAAAGTCAAAGCCAGAGGGGCAGACGCAGC[G>A]GAAGCCACCAAGAGTGTTGCGACAGGAGGCGCTCCCGCAGGTGGGGGGCGACAGGGCACA-3'
Protein context (NP_115823.3, residues 2582-2602): ASCRNTLGGF[Arg2592Cys]CVCPSGFDFD

ClinVar aggregate classification (germline): Uncertain significance. Review status: criteria provided, multiple submitters, no conflicts (2 of 4 stars). 2 submissions from 2 submitters: Uncertain significance (2). Last evaluated 2025-04-04.

Allele frequency attached by ClinVar (database versions not stated): TOPMed 0.00003; ExAC 0.00005; ESP Exome Variant Server 0.00008.
gnomAD v4.1: 51 of 1,613,978 alleles (0.0032%); highest among the groups gnomAD compares: African/African-American, 0.0053%; no homozygotes.

Submissions (2):

Ambry Genetics
Classification: Uncertain significance. Last evaluated: 2025-04-04. Review status: criteria provided, single submitter. Criteria: Ambry Variant Classification Scheme 2023. Collection method: clinical testing. Allele origin: germline.

Labcorp Genetics (formerly Invitae), Labcorp
Classification: Uncertain significance. Last evaluated: 2023-02-03. Review status: criteria provided, single submitter. Criteria: Invitae Variant Classification Sherloc (09022015). Collection method: clinical testing. Allele origin: germline.
Comment: This sequence change replaces arginine, which is basic and polar, with cysteine, which is neutral and slightly polar, at codon 2592 of the FBN3 protein (p.Arg2592Cys). This variant is present in population databases (rs368849172, gnomAD 0.007%). This variant has not been reported in the literature in individuals affected with FBN3-related conditions. Advanced modeling of protein sequence and biophysical properties (such as structural, functional, and spatial information, amino acid conservation, physicochemical variation, residue mobility, and thermodynamic stability) performed at Invitae indicates that this missense variant is not expected to disrupt FBN3 protein function. In summary, the available evidence is currently insufficient to determine the role of this variant in disease. Therefore, it has been classified as a Variant of Uncertain Significance.